The following is an entry in ClinVar:

NM_002878.4(RAD51D):c.88G>A (p.Asp30Asn)

Genes: RAD51L3-RFFL (RAD51L3-RFFL readthrough; minus strand), RAD51D (RAD51 paralog D; minus strand). Cytogenetic location: 17q12.
Variant type: single nucleotide variant.
Coding change: c.88G>A on transcript NM_002878.4 (MANE Select); coding-DNA position 88, G replaced by A.
Protein change: p.Asp30Asn; replaces aspartic acid 30 with asparagine.
Molecular consequence: missense variant. On other transcripts: non-coding transcript variant (2).
Genome position (GRCh38, 1-based): chr17:35,119,167, C>T on the plus strand (G>A on the coding strand, the complement: RAD51D is on the minus strand). VCF-style: chr17-35119167-C-T. GRCh37 (hg19) VCF-style: chr17-33446186-C-T.
Other names: c.88G>A, p.Asp30Asn (NM_001142571.2, NM_133629.3); short protein forms D30N.
Identifiers: ClinVar variation 1765047 (VCV001765047.2), dbSNP rs2142477868, ClinGen allele CA399092028.

ClinVar aggregate classification (germline): Uncertain significance (1 of 4 stars; one submission).

Conditions:
Hereditary cancer-predisposing syndrome. Also called: Neoplastic Syndromes, Hereditary; Tumor predisposition; Hereditary Cancer Syndrome; Hereditary neoplastic syndrome. Identifiers: Orphanet 140162, MedGen C0027672, MeSH D009386, MONDO:0015356.

gnomAD v4.1: 1 of 1,613,780 alleles (0.000062%); no homozygotes.

Submission:

Ambry Genetics
Classification: Uncertain significance for Hereditary cancer-predisposing syndrome. Last evaluated: 2021-08-04. Review status: criteria provided, single submitter. Criteria: Ambry Variant Classification Scheme 2023. Collection method: clinical testing. Allele origin: germline.
Comment: The p.D30N variant (also known as c.88G>A), located in coding exon 2 of the RAD51D gene, results from a G to A substitution at nucleotide position 88. The aspartic acid at codon 30 is replaced by asparagine, an amino acid with highly similar properties. This amino acid position is highly conserved in available vertebrate species. In addition, this alteration is predicted to be tolerated by in silico analysis. Since supporting evidence is limited at this time, the clinical significance of this alteration remains unclear.